The following is an entry in ClinVar:

NM_020632.3(ATP6V0A4):c.2257C>T (p.Gln753Ter)

Gene: ATP6V0A4 (ATPase H+ transporting V0 subunit a4; minus strand). Cytogenetic location: 7q34.
Variant type: single nucleotide variant.
Coding change: c.2257C>T on transcript NM_020632.3 (MANE Select); coding-DNA position 2257, C replaced by T.
Protein change: p.Gln753Ter; replaces glutamine 753 with a stop codon.
Molecular consequence: nonsense.
Genome position (GRCh38, 1-based): chr7:138,715,764, G>A on the plus strand (C>T on the coding strand, the complement: ATP6V0A4 is on the minus strand). VCF-style: chr7-138715764-G-A. GRCh37 (hg19) VCF-style: chr7-138400509-G-A.
Other names: E753*; c.2257C>T, p.Gln753Ter (NM_130840.3, NM_130841.3); short protein forms Q753*.
Identifiers: ClinVar variation 5150 (VCV000005150.10), dbSNP rs121908367, ClinGen allele CA117286.
Genomic context (GRCh38, chr7:138,715,764, plus strand): 5'-CACCTATTTCCTGGGGTGTTGGGGAGAGCTGACTGTCCCCCCGATGGGCTGCTCACTCAC[G>A]TGCATGAGCCAGGCTGAGGGCCCAGAGCCGCAGGTAGGAGGCTGTGTTTGAAATGCAGCC-3'

ClinVar aggregate classification (germline): Pathogenic. Review status: criteria provided, multiple submitters, no conflicts (2 of 4 stars). 6 submissions from 6 submitters: Pathogenic (5). 1 of the submissions does not count toward it. Last evaluated 2026-01-18.

Conditions:
Renal tubular acidosis, distal, 3, with or without sensorineural hearing loss (DRTA3). Identifiers: MedGen C5399980, MONDO:0011268, OMIM 602722.
Autosomal recessive distal renal tubular acidosis. Identifiers: Orphanet 402041, MedGen C1864498, MONDO:0018440.

Allele frequency attached by ClinVar (database versions not stated): gnomAD 0.00001; gnomAD exomes 0.00001 and 0.00002; TOPMed 0.00002; ExAC 0.00004.

Submissions (6):

Labcorp Genetics (formerly Invitae), Labcorp
Classification: Pathogenic. Last evaluated: 2026-01-18. Review status: criteria provided, single submitter. Criteria: Invitae Variant Classification Sherloc (09022015). Collection method: clinical testing. Allele origin: germline.
Comment: This sequence change creates a premature translational stop signal (p.Gln753*) in the ATP6V0A4 gene. It is expected to result in an absent or disrupted protein product. Loss-of-function variants in ATP6V0A4 are known to be pathogenic (PMID: 12414817, 16611712). This variant is present in population databases (rs121908367, gnomAD 0.01%). This premature translational stop signal has been observed in individual(s) with clinical features of distal renal tubular acidosis (PMID: 10973252, 29627839). ClinVar contains an entry for this variant (Variation ID: 5150). For these reasons, this variant has been classified as Pathogenic.

Fulgent Genetics
Classification: Pathogenic for Renal tubular acidosis, distal, 3, with or without sensorineural hearing loss. Last evaluated: 2024-04-23. Review status: criteria provided, single submitter. Criteria: ACMG Guidelines, 2015. Collection method: clinical testing. Allele origin: germline.

Department of Pathology and Laboratory Medicine, Sinai Health System
Classification: Pathogenic for Renal tubular acidosis, distal, 3, with or without sensorineural hearing loss. Last evaluated: 2023-05-24. Review status: criteria provided, single submitter. Criteria: ACMG Guidelines, 2015. Collection method: research. Allele origin: germline.

GeneDx
Classification: Pathogenic. Last evaluated: 2022-10-25. Review status: criteria provided, single submitter. Criteria: GeneDx Variant Classification Process June 2021. Collection method: clinical testing. Allele origin: germline. Affected: yes.
Comment: Nonsense variant predicted to result in protein truncation or nonsense mediated decay in a gene for which loss of function is a known mechanism of disease; Not observed at significant frequency in large population cohorts (gnomAD); This variant is associated with the following publications: (PMID: 34426522, 31589614, 34157794, 28233610, 33083013, 29627839, 10973252)

CENTOGENE GmbH and LLC - Guiding Precision Medicine
Classification: Pathogenic for Renal tubular acidosis, distal, 3, with or without sensorineural hearing loss. Review status: criteria provided, single submitter. Criteria: ACMG Guidelines, 2015. Collection method: clinical testing. Allele origin: germline. Affected: yes.

OMIM
Classification: Pathogenic for RENAL TUBULAR ACIDOSIS, DISTAL, 3, WITHOUT SENSORINEURAL HEARING LOSS. Last evaluated: 2000-09-01. Review status: no assertion criteria provided. Collection method: literature only. Allele origin: germline. Not counted in ClinVar's aggregate classification.

Literature cited by the submitters: PubMed 12414817 (cited by Labcorp Genetics (formerly Invitae), Labcorp); PubMed 16611712 (cited by Labcorp Genetics (formerly Invitae), Labcorp); PubMed 10973252 (cited by Labcorp Genetics (formerly Invitae), Labcorp and OMIM); PubMed 29627839 (cited by Labcorp Genetics (formerly Invitae), Labcorp).